The following is an entry in ClinVar:

ClinVar aggregate classification (germline): Likely pathogenic. Review status: criteria provided, multiple submitters, no conflicts (2 of 4 stars). 3 submissions from 3 submitters: Likely pathogenic (3). Last evaluated 2023-10-31.

Conditions:
Congenital myotonia, autosomal recessive form. Also called: Becker Generalized Myotonia; BECKER DISEASE; myotonia congenita, autosomal recessive. Identifiers: Orphanet 614, MedGen C0751360, MONDO:0009715, OMIM 255700.
Congenital myotonia, autosomal dominant form (THD). Also called: THOMSEN DISEASE; Myotonia congenita autosomal dominant. Identifiers: Orphanet 614, MedGen C2936781, MONDO:0008055, OMIM 160800.

Allele frequency attached by ClinVar (database versions not stated): gnomAD exomes below 0.00001; TOPMed below 0.00001.
gnomAD v4.1: 5 of 1,614,196 alleles (0.00031%); highest among the groups gnomAD compares: Non-Finnish European, 0.00042%; no homozygotes.

Submissions (3):

Labcorp Genetics (formerly Invitae), Labcorp
Classification: Likely pathogenic for Congenital myotonia, autosomal recessive form; Congenital myotonia, autosomal dominant form. Last evaluated: 2023-10-31. Review status: criteria provided, single submitter. Criteria: Invitae Variant Classification Sherloc (09022015). Collection method: clinical testing. Allele origin: germline.
Comment: This sequence change replaces tryptophan, which is neutral and slightly polar, with arginine, which is basic and polar, at codon 433 of the CLCN1 protein (p.Trp433Arg). This variant is present in population databases (no rsID available, gnomAD 0.0009%). This missense change has been observed in individuals with autosomal dominant non-dystrophic myotonia (PMID: 18337100). This variant has been reported in individual(s) with autosomal recessive myotonia (PMID: 18337100, 34529042); however, the role of the variant in this condition is currently unclear. ClinVar contains an entry for this variant (Variation ID: 570379). Advanced modeling of protein sequence and biophysical properties (such as structural, functional, and spatial information, amino acid conservation, physicochemical variation, residue mobility, and thermodynamic stability) performed at Invitae indicates that this missense variant is expected to disrupt CLCN1 protein function with a positive predictive value of 95%. In summary, the currently available evidence indicates that the variant is pathogenic, but additional data are needed to prove that conclusively. Therefore, this variant has been classified as Likely Pathogenic.

Women's Health and Genetics/Laboratory Corporation of America, LabCorp
Classification: Likely pathogenic for Congenital myotonia, autosomal recessive form. Last evaluated: 2023-01-11. Review status: criteria provided, single submitter. Criteria: LabCorp Variant Classification Summary - May 2015. Collection method: clinical testing. Allele origin: germline.
Comment: Variant summary: CLCN1 c.1297T>C (p.Trp433Arg) results in a non-conservative amino acid change in the encoded protein sequence. Five of five in-silico tools predict a damaging effect of the variant on protein function. The variant allele was found at a frequency of 4e-06 in 251466 control chromosomes (gnomAD). c.1297T>C has been reported in the literature in individuals affected with Congenital Myotonia (Dupre_2009, Suetterlin_2022). These data indicate that the variant may be associated with disease. At least one publication reports experimental evidence evaluating an impact on protein function, where heterologous expression and patch-clamp analysis of the variant in xenopus oocytes showed loss-of-function (Suetterlin_2022). Two ClinVar submitters have assessed the variant since 2014: one classified the variant as uncertain significance and one as likely pathogenic. Based on the evidence outlined above, the variant was classified as likely pathogenic.

Athena Diagnostics
Classification: Likely pathogenic. Last evaluated: 2020-12-29. Review status: criteria provided, single submitter. Criteria: Athena Diagnostics criteria. Collection method: clinical testing. Allele origin: unknown.
Comment: The frequency of this variant in the general population is consistent with pathogenicity. There was not enough information identified regarding segregation with disease in families to be useful in characterizing this variant. In multiple individuals, this variant has been seen with a single recessive pathogenic variant in the same gene, suggesting this variant may also be pathogenic. Computational tools predict that this variant is damaging.

Literature cited by the submitters: PubMed 18337100 (cited by 3 submitters); PubMed 34529042 (cited by Labcorp Genetics (formerly Invitae), Labcorp and Women's Health and Genetics/Laboratory Corporation of America, LabCorp).

NM_000083.3(CLCN1):c.1297T>C (p.Trp433Arg)

Gene: CLCN1 (chloride voltage-gated channel 1; plus strand). Cytogenetic location: 7q34.
Variant type: single nucleotide variant.
Coding change: c.1297T>C on transcript NM_000083.3 (MANE Select); coding-DNA position 1297, T replaced by C.
Protein change: p.Trp433Arg; replaces tryptophan 433 with arginine.
Molecular consequence: missense variant.
Genome position (GRCh38, 1-based): chr7:143,332,769, T>C. VCF-style: chr7-143332769-T-C. GRCh37 (hg19) VCF-style: chr7-143029862-T-C.
Other names: short protein forms W433R.
Identifiers: ClinVar variation 570379 (VCV000570379.12), dbSNP rs1027814542, ClinGen allele CA168214377.